The following is an entry in ClinVar:

ClinVar aggregate classification (germline): Benign/Likely benign. Review status: criteria provided, multiple submitters, no conflicts (2 of 4 stars). 6 submissions from 6 submitters: Benign (1); Likely benign (4). 1 of the submissions does not count toward it. Last evaluated 2026-01-15.

Conditions:
Panhypopituitarism, X-linked (PHPX). Also called: PITUITARY DWARFISM IV. Identifiers: MedGen C0342376, MONDO:0010712, OMIM 312000.
Intellectual developmental disorder, X-linked, with panhypopituitarism. Also called: Intellectual disability, X-linked, with panhypopituitarism. Identifiers: MedGen C2678223, MONDO:0010252, OMIM 300123.
SOX3-related disorder. Also called: SOX3-Related Disorders; SOX3-related condition.

Submissions (6):

Labcorp Genetics (formerly Invitae), Labcorp
Classification: Likely benign. Last evaluated: 2026-01-15. Review status: criteria provided, single submitter. Criteria: Invitae Variant Classification Sherloc (09022015). Collection method: clinical testing. Allele origin: germline.

Blueprint Genetics
Classification: Likely benign. Last evaluated: 2024-10-17. Review status: criteria provided, single submitter. Criteria: ACMG Guidelines, 2015. Collection method: clinical testing. Allele origin: germline.

CeGaT Center for Human Genetics Tuebingen
Classification: Likely benign. Last evaluated: 2024-06-01. Review status: criteria provided, single submitter. Criteria: CeGaT Center For Human Genetics Tuebingen Variant Classification Criteria Version 2. Collection method: clinical testing. Allele origin: germline. Affected: yes. Observed: 6 variant alleles.
Comment: SOX3: BS2

Fulgent Genetics
Classification: Likely benign for Intellectual developmental disorder, X-linked, with panhypopituitarism; Panhypopituitarism, X-linked. Last evaluated: 2021-08-24. Review status: criteria provided, single submitter. Criteria: ACMG Guidelines, 2015. Collection method: clinical testing. Allele origin: unknown.

Eurofins Ntd Llc (ga)
Classification: Benign. Last evaluated: 2016-07-28. Review status: criteria provided, single submitter. Criteria: EGL Classification Definitions 2015. Collection method: clinical testing. Allele origin: germline. Observed: 1 variant allele, 1 hemizygote.

PreventionGenetics, part of Exact Sciences
Classification: Likely benign for SOX3-related condition. Last evaluated: 2022-04-23. Review status: no assertion criteria provided. Collection method: clinical testing. Allele origin: germline. Not counted in ClinVar's aggregate classification.
Comment: This variant is classified as likely benign based on ACMG/AMP sequence variant interpretation guidelines (Richards et al. 2015 PMID: 25741868, with internal and published modifications).

NM_005634.3(SOX3):c.711_731del (p.Ala242_Ala248del)

Gene: SOX3 (SRY-box transcription factor 3; minus strand). Cytogenetic location: Xq27.1.
Variant type: Deletion.
Coding change: c.711_731del on transcript NM_005634.3 (MANE Select); coding-DNA positions 711 to 731, 21 bases deleted (CGCCGCCGCTGCCGCGGCCGC).
Protein change: p.Ala242_Ala248del.
Molecular consequence: inframe deletion.
Genome position (GRCh38, 1-based): chrX:140,504,330-140,504,350, GCGGCCGCGGCAGCGGCGGCG deleted on the plus strand (CGCCGCCGCTGCCGCGGCCGC on the coding strand, the reverse complement: SOX3 is on the minus strand); deleting any 21 consecutive bases within chrX:140,504,330-140,504,362 gives the same sequence; the c. name uses the placement nearest the transcript's 3' end. VCF-style (leftmost placement, unchanged base first): chrX-140504329-TGCGGCCGCGGCAGCGGCGGCG-T. GRCh37 (hg19) VCF-style: chrX-139586494-TGCGGCCGCGGCAGCGGCGGCG-T.
Other names: c.711_731delCGCCGCCGCTGCCGCGGCCGC (NM_005634.2); c.711_731del21 (NM_005634.2).
Identifiers: ClinVar variation 289513 (VCV000289513.49), dbSNP rs776775669, ClinGen allele CA10531626.